The following is an entry in ClinVar:

NM_001242896.3(DEPDC5):c.414-11_414-4del

Gene: DEPDC5 (DEP domain containing 5, GATOR1 subcomplex subunit; plus strand). Cytogenetic location: 22q12.2.
Variant type: Deletion.
Coding change: c.414-11_414-4del on transcript NM_001242896.3 (MANE Select); 11 bases into the intron before coding-DNA position 414 through 4 bases into the intron before coding-DNA position 414, 8 bases deleted (TATTCTTT; older notation c.414-11_414-4delTATTCTTT).
Molecular consequence: intron variant.
Genome position (GRCh38, 1-based): chr22:31,778,088-31,778,095, TATTCTTT deleted. VCF-style (leftmost placement, unchanged base first): chr22-31778087-GTATTCTTT-G. GRCh37 (hg19) VCF-style: chr22-32174073-GTATTCTTT-G.
Other names: c.414-11_414-4del (NM_001364318.2, NM_001136029.4, NM_014662.6 and 7 more transcripts); c.330-11_330-4del (NM_001369902.1, NM_001369901.1).
Identifiers: ClinVar variation 2095463 (VCV002095463.4), dbSNP rs2518226459, ClinGen allele CA2580099638.

ClinVar aggregate classification (germline): Uncertain significance (1 of 4 stars; one submission).

Conditions:
Familial focal epilepsy with variable foci (FPEVF). Identifiers: Orphanet 98820, MedGen C1858477, MONDO:0020310.

Submission:

Labcorp Genetics (formerly Invitae), Labcorp
Classification: Uncertain significance for Familial focal epilepsy with variable foci. Last evaluated: 2022-02-09. Review status: criteria provided, single submitter. Criteria: Invitae Variant Classification Sherloc (09022015). Collection method: clinical testing. Allele origin: germline.
Comment: In summary, the available evidence is currently insufficient to determine the role of this variant in disease. Therefore, it has been classified as a Variant of Uncertain Significance. Algorithms developed to predict the effect of sequence changes on RNA splicing suggest that this variant may disrupt the consensus splice site. This variant has not been reported in the literature in individuals affected with DEPDC5-related conditions. This variant is not present in population databases (gnomAD no frequency). This sequence change falls in intron 7 of the DEPDC5 gene. It does not directly change the encoded amino acid sequence of the DEPDC5 protein.